The following is an entry in ClinVar:

NM_001042492.3(NF1):c.3102_3103del (p.Glu1034fs)

Gene: NF1 (neurofibromin 1; plus strand). Cytogenetic location: 17q11.2.
Variant type: Microsatellite.
Coding change: c.3102_3103del on transcript NM_001042492.3 (MANE Select); coding-DNA positions 3102 to 3103, 2 bases deleted (GA; older notation c.3102_3103delGA).
Protein change: p.Glu1034fs; shifts the reading frame from glutamic acid 1034.
Molecular consequence: frameshift variant.
Genome position (GRCh38, 1-based): chr17:31,230,371-31,230,372, GA deleted; deleting any 2 consecutive bases within chr17:31,230,368-31,230,372 gives the same sequence; the c. name uses the placement nearest the transcript's 3' end. VCF-style (leftmost placement, unchanged base first): chr17-31230367-AAG-A. GRCh37 (hg19) VCF-style: chr17-29557385-AAG-A.
Other names: c.3100_3101GA[1], p.Glu1034Aspfs (NM_000267.4); c.3102_3103delGA (NM_000267.3); short protein forms E1034fs.
Identifiers: ClinVar variation 3404699 (VCV003404699.1).

ClinVar aggregate classification (germline): Pathogenic (1 of 4 stars; one submission).

Conditions:
Hereditary cancer-predisposing syndrome. Also called: Hereditary Cancer Syndrome; Tumor predisposition; Hereditary neoplastic syndrome; Neoplastic Syndromes, Hereditary. Identifiers: Orphanet 140162, MedGen C0027672, MeSH D009386, MONDO:0015356.
Cardiovascular phenotype. Identifiers: MedGen CN230736.

Submission:

Ambry Genetics
Classification: Pathogenic for Cardiovascular phenotype; Hereditary cancer-predisposing syndrome. Last evaluated: 2024-08-22. Review status: criteria provided, single submitter. Criteria: Ambry Variant Classification Scheme 2023. Collection method: clinical testing. Allele origin: germline.
Comment: The c.3102_3103delGA pathogenic mutation, located in coding exon 23 of the NF1 gene, results from a deletion of two nucleotides at nucleotide positions 3102 to 3103, causing a translational frameshift with a predicted alternate stop codon (p.E1034Dfs*4). This variant has been observed in at least one individual with a personal and/or family history that is consistent with neurofibromatosis type 1 (Ambry internal data). This variant is considered to be rare based on population cohorts in the Genome Aggregation Database (gnomAD). This alteration is expected to result in loss of function by premature protein truncation or nonsense-mediated mRNA decay. As such, this alteration is interpreted as a disease-causing mutation.